The following is an entry in ClinVar:

ClinVar aggregate classification (germline): Likely benign (1 of 4 stars; one submission).

Conditions:
Hereditary coproporphyria (HCP). Also called: Hereditary coproporphyria porphyria; Porphyria hepatica coproporphyria; Porphyria hepatica II; CPRO deficiency; COPROPORPHYRINOGEN OXIDASE DEFICIENCY; CPO DEFICIENCY. Identifiers: Orphanet 79273, MedGen C0162531, MONDO:0007369, OMIM 121300.

Allele frequency attached by ClinVar (database versions not stated): gnomAD 0.00001 and 0.00003; TOPMed 0.00002; gnomAD exomes 0.00003 and 0.00004; ExAC 0.00004; 1000 Genomes Project 30x 0.00016; 1000 Genomes Project 0.00020.
gnomAD v4.1: 49 of 1,613,610 alleles (0.003%); highest among the groups gnomAD compares: East Asian, 0.11%; no homozygotes.

Submission:

Illumina Laboratory Services, Illumina
Classification: Likely benign for Hereditary coproporphyria. Last evaluated: 2018-01-13. Review status: criteria provided, single submitter. Criteria: ICSL Variant Classification Criteria 13 December 2019. Collection method: clinical testing. Allele origin: germline.
Comment: This variant was observed in the ICSL laboratory as part of a predisposition screen in an ostensibly healthy population. It had not been previously curated by ICSL or reported in the Human Gene Mutation Database (HGMD: prior to June 1st, 2018), and was therefore a candidate for classification through an automated scoring system. Utilizing variant allele frequency, disease prevalence and penetrance estimates, and inheritance mode, an automated score was calculated to assess if this variant is too frequent to cause the disease. Based on the score and internal cut-off values, a variant classified as likely benign is not then subjected to further curation. The score for this variant resulted in a classification of likely benign for this disease.

NM_000097.7(CPOX):c.1028A>T (p.Asp343Val)

Gene: CPOX (coproporphyrinogen oxidase; minus strand). Cytogenetic location: 3q11.2.
Variant type: single nucleotide variant.
Coding change: c.1028A>T on transcript NM_000097.7 (MANE Select); coding-DNA position 1028, A replaced by T.
Protein change: p.Asp343Val; replaces aspartic acid 343 with valine.
Molecular consequence: missense variant.
Genome position (GRCh38, 1-based): chr3:98,585,585, T>A on the plus strand (A>T on the coding strand, the complement: CPOX is on the minus strand). VCF-style: chr3-98585585-T-A. GRCh37 (hg19) VCF-style: chr3-98304429-T-A.
Other names: short protein forms D343V.
Identifiers: ClinVar variation 901578 (VCV000901578.4), dbSNP rs201071538, ClinGen allele CA2511539.